The following is an entry in ClinVar:

ClinVar aggregate classification (germline): Benign. Review status: criteria provided, multiple submitters, no conflicts (2 of 4 stars). 2 submissions from 2 submitters: Benign (2). Last evaluated 2018-01-12.

Conditions:
Pancreatic cancer, susceptibility to, 1. Identifiers: Orphanet 1333, MedGen C1847351, MONDO:0011739, OMIM 606856.

Allele frequency attached by ClinVar (database versions not stated): gnomAD 0.00344 and 0.00367; TOPMed 0.00404; 1000 Genomes Project 30x 0.00406; 1000 Genomes Project 0.00419.

Submissions (2):

Illumina Laboratory Services, Illumina
Classification: Benign for Pancreatic cancer, susceptibility to, 1. Last evaluated: 2018-01-12. Review status: criteria provided, single submitter. Criteria: ICSL Variant Classification Criteria 13 December 2019. Collection method: clinical testing. Allele origin: germline.
Comment: This variant was observed in the ICSL laboratory as part of a predisposition screen in an ostensibly healthy population. It had not been previously curated by ICSL or reported in the Human Gene Mutation Database (HGMD: prior to June 1st, 2018), and was therefore a candidate for classification through an automated scoring system. Utilizing variant allele frequency, disease prevalence and penetrance estimates, and inheritance mode, an automated score was calculated to assess if this variant is too frequent to cause the disease. Based on the score and internal cut-off values, a variant classified as benign is not then subjected to further curation. The score for this variant resulted in a classification of benign for this disease.

GeneDx
Classification: Benign. Last evaluated: 2014-03-13. Review status: criteria provided, single submitter. Criteria: GeneDx Variant Classification (06012015). Collection method: clinical testing. Allele origin: germline. Affected: yes.
Comment: This variant is considered likely benign or benign based on one or more of the following criteria: it is a conservative change, it occurs at a poorly conserved position in the protein, it is predicted to be benign by multiple in silico algorithms, and/or has population frequency not consistent with disease.

NM_001166108.2(PALLD):c.-83+8A>G

Gene: PALLD (palladin, cytoskeletal associated protein; plus strand). Cytogenetic location: 4q32.3.
Variant type: single nucleotide variant.
Coding change: c.-83+8A>G on transcript NM_001166108.2 (MANE Select); 8 bases into the intron after 83 bases upstream of the start codon, A replaced by G.
Molecular consequence: intron variant.
Genome position (GRCh38, 1-based): chr4:168,497,202, A>G. VCF-style: chr4-168497202-A-G. GRCh37 (hg19) VCF-style: chr4-169418353-A-G.
Other names: c.-83+8A>G (NM_016081.4).
Identifiers: ClinVar variation 182796 (VCV000182796.5), dbSNP rs143268375, ClinGen allele CA299813.